The following is an entry in ClinVar:

ClinVar aggregate classification (germline): Uncertain significance (1 of 4 stars; one submission).

Conditions:
Charcot-Marie-Tooth disease axonal type 2O. Also called: CHARCOT-MARIE-TOOTH NEUROPATHY, AXONAL, TYPE 2O; CHARCOT-MARIE-TOOTH DISEASE, AXONAL, AUTOSOMAL DOMINANT, TYPE 2O; Charcot-Marie-Tooth Neuropathy Type 2O; Charcot-Marie-Tooth disease, axonal, type 20. Identifiers: Orphanet 284232, MedGen C3280220, MONDO:0013644, OMIM 614228.

Submission:

Labcorp Genetics (formerly Invitae), Labcorp
Classification: Uncertain significance for Charcot-Marie-Tooth disease axonal type 2O. Last evaluated: 2024-09-18. Review status: criteria provided, single submitter. Criteria: Invitae Variant Classification Sherloc (09022015). Collection method: clinical testing. Allele origin: germline.
Comment: This sequence change replaces lysine, which is basic and polar, with asparagine, which is neutral and polar, at codon 4422 of the DYNC1H1 protein (p.Lys4422Asn). This variant is not present in population databases (gnomAD no frequency). This variant has not been reported in the literature in individuals affected with DYNC1H1-related conditions. Invitae Evidence Modeling of protein sequence and biophysical properties (such as structural, functional, and spatial information, amino acid conservation, physicochemical variation, residue mobility, and thermodynamic stability) indicates that this missense variant is not expected to disrupt DYNC1H1 protein function with a negative predictive value of 95%. In summary, the available evidence is currently insufficient to determine the role of this variant in disease. Therefore, it has been classified as a Variant of Uncertain Significance.

NM_001376.5(DYNC1H1):c.13266G>T (p.Lys4422Asn)

Gene: DYNC1H1 (dynein cytoplasmic 1 heavy chain 1; plus strand). Cytogenetic location: 14q32.31.
Variant type: single nucleotide variant.
Coding change: c.13266G>T on transcript NM_001376.5 (MANE Select); coding-DNA position 13266, G replaced by T.
Protein change: p.Lys4422Asn; replaces lysine 4422 with asparagine.
Molecular consequence: missense variant.
Genome position (GRCh38, 1-based): chr14:102,048,563, G>T. VCF-style: chr14-102048563-G-T. GRCh37 (hg19) VCF-style: chr14-102514900-G-T.
Other names: short protein forms K4422N.
Identifiers: ClinVar variation 3681632 (VCV003681632.2).
Genomic context (GRCh38, chr14:102,048,563, plus strand): 5'-TGAACGATTTTAGGATCCTTTGTTCAGGTTCTTTGAGAGAGAAGTGAAGATGGGCGCAAA[G>T]CTGCTTCAGGACGTTCGCCAGGACCTTGCAGATGTCGTCCAGGTGTGCGAAGGAAAGAAG-3'
Protein context (NP_001367.2, residues 4412-4432): FFEREVKMGA[Lys4422Asn]LLQDVRQDLA